The following is an entry in ClinVar:

NM_016562.4(TLR7):c.674C>T (p.Ser225Phe)

Gene: TLR7 (toll like receptor 7; plus strand). Cytogenetic location: Xp22.2.
Variant type: single nucleotide variant.
Coding change: c.674C>T on transcript NM_016562.4 (MANE Select); coding-DNA position 674, C replaced by T.
Protein change: p.Ser225Phe; replaces serine 225 with phenylalanine.
Molecular consequence: missense variant.
Genome position (GRCh38, 1-based): chrX:12,886,182, C>T. VCF-style: chrX-12886182-C-T. GRCh37 (hg19) VCF-style: chrX-12904301-C-T.
Other names: short protein forms S225F.
Identifiers: ClinVar variation 4747811 (VCV004747811.1).

ClinVar aggregate classification (germline): Uncertain significance (1 of 4 stars; one submission).

gnomAD v4.1: 14 of 1,209,684 alleles (0.0012%); highest among the groups gnomAD compares: Admixed American, 0.0066%; no homozygotes.

Submission:

Labcorp Genetics (formerly Invitae), Labcorp
Classification: Uncertain significance. Last evaluated: 2025-03-15. Review status: criteria provided, single submitter. Criteria: Invitae Variant Classification Sherloc (09022015). Collection method: clinical testing. Allele origin: germline.
Comment: This sequence change replaces serine, which is neutral and polar, with phenylalanine, which is neutral and non-polar, at codon 225 of the TLR7 protein (p.Ser225Phe). This variant is present in population databases (no rsID available, gnomAD 0.004%). This variant has not been reported in the literature in individuals affected with TLR7-related conditions. An algorithm developed to predict the effect of missense changes on protein structure and function (PolyPhen-2) suggests that this variant is likely to be tolerated. In summary, the available evidence is currently insufficient to determine the role of this variant in disease. Therefore, it has been classified as a Variant of Uncertain Significance.